The following is an entry in ClinVar:

ClinVar aggregate classification (germline): Uncertain significance. Review status: criteria provided, multiple submitters, no conflicts (2 of 4 stars). 7 submissions from 7 submitters: Uncertain significance (7). Last evaluated 2025-06-18.

Conditions:
RYR2-related disorder. Also called: RYR2-related condition.
Arrhythmogenic right ventricular dysplasia 2. Identifiers: MedGen C1832931.
Ventricular arrhythmias due to cardiac ryanodine receptor calcium release deficiency syndrome. Also called: Autosomal dominant cardiac arrhythmia (Kuhn). Identifiers: MedGen C5542154, MONDO:0020745, OMIM 115000.
Catecholaminergic polymorphic ventricular tachycardia 1. Also called: VENTRICULAR TACHYCARDIA, CATECHOLAMINERGIC POLYMORPHIC, 1, WITH OR WITHOUT ATRIAL DYSFUNCTION AND/OR DILATED CARDIOMYOPATHY; RYR2-Related Catecholaminergic Polymorphic Ventricular Tachycardia; VENTRICULAR TACHYCARDIA, STRESS-INDUCED POLYMORPHIC 1. Identifiers: Orphanet 3286, MedGen C1631597, MONDO:0011484, OMIM 604772.
Cardiomyopathy (CMYO). Also called: Cardiomyopathies. Identifiers: Orphanet 167848, MedGen C0878544, MONDO:0004994, HP:0001638. Inheritance: Various modes of inheritance.
Catecholaminergic polymorphic ventricular tachycardia (CVPT). Also called: Catecholamine-induced polymorphic ventricular tachycardia. Identifiers: Orphanet 3286, MedGen C5574922, MONDO:0017990.

Allele frequency attached by ClinVar (database versions not stated): TOPMed below 0.00001; ExAC 0.00001; gnomAD exomes 0.00001.
gnomAD v4.1: 7 of 1,614,010 alleles (0.00043%); highest among the groups gnomAD compares: Admixed American, 0.005%; no homozygotes.

Submissions (7):

Labcorp Genetics (formerly Invitae), Labcorp
Classification: Uncertain significance for Catecholaminergic polymorphic ventricular tachycardia 1. Last evaluated: 2025-06-18. Review status: criteria provided, single submitter. Criteria: Invitae Variant Classification Sherloc (09022015). Collection method: clinical testing. Allele origin: germline.
Comment: This sequence change replaces serine, which is neutral and polar, with threonine, which is neutral and polar, at codon 1754 of the RYR2 protein (p.Ser1754Thr). This variant is present in population databases (rs397516542, gnomAD 0.009%). This missense change has been observed in individual(s) with dilated cardiomyopathy (PMID: 24503780, 27532257, 28416588). ClinVar contains an entry for this variant (Variation ID: 43804). Invitae Evidence Modeling of protein sequence and biophysical properties (such as structural, functional, and spatial information, amino acid conservation, physicochemical variation, residue mobility, and thermodynamic stability) indicates that this missense variant is not expected to disrupt RYR2 protein function with a negative predictive value of 95%. In summary, the available evidence is currently insufficient to determine the role of this variant in disease. Therefore, it has been classified as a Variant of Uncertain Significance.

All of Us Research Program, National Institutes of Health
Classification: Uncertain significance for Catecholaminergic polymorphic ventricular tachycardia. Last evaluated: 2024-07-29. Review status: criteria provided, single submitter. Criteria: ACMG Guidelines, 2015. Collection method: clinical testing. Allele origin: germline. Inheritance: Autosomal dominant inheritance. Observed: 6 variant alleles, 6 heterozygotes.
Comment: This missense variant replaces serine with threonine at codon 1754 of the RYR2 protein. Computational prediction tools and conservation analyses are inconclusive regarding the impact of this variant on the protein function. Computational splicing tools suggest that this variant may not impact RNA splicing. To our knowledge, functional assays have not been performed for this variant nor has this variant been reported in individuals affected with cardiovascular disorders in the literature. This variant has been identified in 3/248968 chromosomes in the general population by the Genome Aggregation Database (gnomAD). Available evidence is insufficient to determine the role of this variant in disease conclusively. Therefore, this variant is classified as a Variant of Uncertain Significance.

This study involves interpretation of variants in research participants for the purpose of population health screening. Participant phenotype was not available at the time of variant classification. Additional details can be found in publication PMID: 35346344, PMCID: PMC8962531

Color Diagnostics, LLC DBA Color Health
Classification: Uncertain significance for Cardiomyopathy. Last evaluated: 2024-04-16. Review status: criteria provided, single submitter. Criteria: ACMG Guidelines, 2015. Collection method: clinical testing. Allele origin: germline.
Comment: This missense variant replaces serine with threonine at codon 1754 of the RYR2 protein. Computational prediction suggests that this variant may not impact protein structure and function. To our knowledge, functional studies have not been reported for this variant. This variant has been reported in two unrelated individuals affected with dilated cardiomyopathy (PMID: 28416588 and 24503780). This variant has been identified in 3/248968 chromosomes in the general population by the Genome Aggregation Database (gnomAD). The available evidence is insufficient to determine the role of this variant in disease conclusively. Therefore, this variant is classified as a Variant of Uncertain Significance.

GeneDx
Classification: Uncertain significance. Last evaluated: 2024-01-11. Review status: criteria provided, single submitter. Criteria: GeneDx Variant Classification Process June 2021. Collection method: clinical testing. Allele origin: germline. Affected: yes.
Comment: Identified in patients with DCM in published literature (PMID: 28416588, 27532257, 24503780); at least one patient harbored additional cardiogenetic variants; Not observed at significant frequency in large population cohorts (gnomAD); Not located in one of the three hot-spot regions of the RYR2 gene, where the majority of pathogenic missense variants occur (PMID: 19926015); In silico analysis supports that this missense variant does not alter protein structure/function; This variant is associated with the following publications: (PMID: 19926015, 28416588, 27532257, 24503780)

PreventionGenetics, part of Exact Sciences
Classification: Uncertain significance for RYR2-related condition. Last evaluated: 2023-03-29. Review status: criteria provided, single submitter. Criteria: ACMG Guidelines, 2015. Collection method: clinical testing. Allele origin: germline.
Comment: The RYR2 c.5261G>C variant is predicted to result in the amino acid substitution p.Ser1754Thr. This variant was reported in three individuals with dilated cardiomyopathy (Table S1, Pugh et al. 2014. PubMed ID: 24503780; Table S1B, Walsh et al. 2017. PubMed ID: 27532257; Table S1, Dal Ferro et al. 2017. PubMed ID: 28416588). However, in one of the individuals, additional variants including a pathogenic LMNA c.949G>A (p.Glu317Lys) were also identified (Table S1, Dal Ferro et al. 2017. PubMed ID: 28416588). This variant is reported in 0.0087% of alleles in individuals of Latino descent in gnomAD. At this time, the clinical significance of this variant is uncertain due to the absence of conclusive functional and genetic evidence.

Fulgent Genetics
Classification: Uncertain significance for Ventricular arrhythmias due to cardiac ryanodine receptor calcium release deficiency syndrome; Catecholaminergic polymorphic ventricular tachycardia 1. Last evaluated: 2022-02-17. Review status: criteria provided, single submitter. Criteria: ACMG Guidelines, 2015. Collection method: clinical testing. Allele origin: unknown.

Laboratory for Molecular Medicine, Mass General Brigham Personalized Medicine
Classification: Uncertain significance. Last evaluated: 2014-05-22. Review status: criteria provided, single submitter. Criteria: LMM Criteria. Collection method: clinical testing. Allele origin: germline. Observed: 2 variant alleles.
Comment: The Ser1754Thr variant in RYR2 has not been previously reported in any other fam ilies with cardiomyopathy or in large population studies. Computational predicti on tools and conservation analysis do not provide strong support for or against an impact to the protein. Additional information is needed to fully assess the c linical significance of the Ser1754Thr variant.

Literature cited by the submitters: PubMed 24503780 (cited by 3 submitters); PubMed 27532257 (cited by Labcorp Genetics (formerly Invitae), Labcorp); PubMed 28416588 (cited by Labcorp Genetics (formerly Invitae), Labcorp and Color Diagnostics, LLC DBA Color Health).

NM_001035.3(RYR2):c.5261G>C (p.Ser1754Thr)

Gene: RYR2 (ryanodine receptor 2; plus strand). Cytogenetic location: 1q43.
Variant type: single nucleotide variant.
Coding change: c.5261G>C on transcript NM_001035.3 (MANE Select); coding-DNA position 5261, G replaced by C.
Protein change: p.Ser1754Thr; replaces serine 1754 with threonine.
Molecular consequence: missense variant.
Genome position (GRCh38, 1-based): chr1:237,614,389, G>C. VCF-style: chr1-237614389-G-C. GRCh37 (hg19) VCF-style: chr1-237777689-G-C.
Other names: short protein forms S1754T.
Identifiers: ClinVar variation 43804 (VCV000043804.22), dbSNP rs397516542, ClinGen allele CA009814.